The following is an entry in ClinVar:

NM_001291867.2(NHS):c.3097A>G (p.Thr1033Ala)

Gene: NHS (NHS actin remodeling regulator; plus strand). Cytogenetic location: Xp22.13.
Variant type: single nucleotide variant.
Coding change: c.3097A>G on transcript NM_001291867.2 (MANE Select); coding-DNA position 3097, A replaced by G.
Protein change: p.Thr1033Ala; replaces threonine 1033 with alanine.
Molecular consequence: missense variant.
Genome position (GRCh38, 1-based): chrX:17,727,203, A>G. VCF-style: chrX-17727203-A-G. GRCh37 (hg19) VCF-style: chrX-17745323-A-G.
Other names: c.2566A>G, p.Thr856Ala (NM_001136024.4); c.2503A>G, p.Thr835Ala (NM_001291868.2); c.3034A>G, p.Thr1012Ala (NM_198270.4); short protein forms T1012A, T1033A, T835A, T856A.
Identifiers: ClinVar variation 3681802 (VCV003681802.2).

ClinVar aggregate classification (germline): Uncertain significance (1 of 4 stars; one submission).

Conditions:
Nance-Horan syndrome (NHS). Identifiers: Orphanet 627, MedGen C0796085, MONDO:0010545, OMIM 302350.

Submission:

Labcorp Genetics (formerly Invitae), Labcorp
Classification: Uncertain significance for Nance-Horan syndrome. Last evaluated: 2024-10-29. Review status: criteria provided, single submitter. Criteria: Invitae Variant Classification Sherloc (09022015). Collection method: clinical testing. Allele origin: germline.
Comment: This sequence change replaces threonine, which is neutral and polar, with alanine, which is neutral and non-polar, at codon 1012 of the NHS protein (p.Thr1012Ala). This variant is not present in population databases (gnomAD no frequency). This variant has not been reported in the literature in individuals affected with NHS-related conditions. Invitae Evidence Modeling of protein sequence and biophysical properties (such as structural, functional, and spatial information, amino acid conservation, physicochemical variation, residue mobility, and thermodynamic stability) indicates that this missense variant is expected to disrupt NHS protein function with a positive predictive value of 80%. In summary, the available evidence is currently insufficient to determine the role of this variant in disease. Therefore, it has been classified as a Variant of Uncertain Significance.